The following is an entry in ClinVar:

NM_017934.7(PHIP):c.4054-4C>G

Genes: IRAK1BP1 (interleukin 1 receptor associated kinase 1 binding protein 1; plus strand), PHIP (PHIP subunit of CUL4-Ring ligase complex; minus strand). Cytogenetic location: 6q14.1.
Variant type: single nucleotide variant.
Coding change: c.4054-4C>G on transcript NM_017934.7 (MANE Select); 4 bases into the intron before coding-DNA position 4054, C replaced by G.
Molecular consequence: intron variant.
Genome position (GRCh38, 1-based): chr6:78,947,779, G>C on the plus strand (C>G on the coding strand, the complement: PHIP is on the minus strand). VCF-style: chr6-78947779-G-C. GRCh37 (hg19) VCF-style: chr6-79657496-G-C.
Identifiers: ClinVar variation 3352564 (VCV003352564.1).

ClinVar aggregate classification (germline): Likely benign (0 of 4 stars; one submission).

Conditions:
PHIP-related disorder. Also called: PHIP-related condition; PHIP-related disorders.

gnomAD v4.1: 10 of 1,599,244 alleles (0.00063%); highest among the groups gnomAD compares: African/African-American, 0.013%; no homozygotes.

Submission:

PreventionGenetics, part of Exact Sciences
Classification: Likely benign for PHIP-related condition. Last evaluated: 2021-11-05. Review status: no assertion criteria provided. Collection method: clinical testing. Allele origin: germline.
Comment: This variant is classified as likely benign based on ACMG/AMP sequence variant interpretation guidelines (Richards et al. 2015 PMID: 25741868, with internal and published modifications).